The following is an entry in ClinVar:

ClinVar aggregate classification (germline): Benign. Review status: criteria provided, single submitter (1 of 4 stars). 2 submissions from 1 submitter: Benign (2). Last evaluated 2018-01-12.

Conditions:
Charcot-Marie-Tooth disease, axonal, with vocal cord paresis, autosomal recessive. Also called: CHARCOT-MARIE-TOOTH DISEASE, TYPE 4A, AXONAL FORM; CHARCOT-MARIE-TOOTH NEUROPATHY, AXONAL, WITH VOCAL CORD PARESIS, AUTOSOMAL RECESSIVE; CMT2 WITH VOCAL CORD PARESIS, AUTOSOMAL RECESSIVE. Identifiers: Orphanet 101097, MedGen C1843183, MONDO:0011898, OMIM 607706.
Charcot-Marie-Tooth disease recessive intermediate A (CMTRIA). Also called: CHARCOT-MARIE-TOOTH NEUROPATHY, RECESSIVE INTERMEDIATE A. Identifiers: Orphanet 217055, MedGen C1842197, MONDO:0012014, OMIM 608340.

Allele frequency attached by ClinVar (database versions not stated): ExAC 0.00019; gnomAD exomes 0.00065 and 0.00127; gnomAD 0.00467 and 0.00506; 1000 Genomes Project 30x 0.00531; 1000 Genomes Project 0.00539; TOPMed 0.00561.
gnomAD v4.1: 929 of 454,076 alleles (0.2%); highest among the groups gnomAD compares: African/African-American, 1.5%; 8 homozygotes.

Submissions (2):

Illumina Laboratory Services, Illumina
Classification: Benign for Charcot-Marie-Tooth disease recessive intermediate A. Last evaluated: 2018-01-12. Review status: criteria provided, single submitter. Criteria: ICSL Variant Classification Criteria 13 December 2019. Collection method: clinical testing. Allele origin: germline.
Comment: This variant was observed in the ICSL laboratory as part of a predisposition screen in an ostensibly healthy population. It had not been previously curated by ICSL or reported in the Human Gene Mutation Database (HGMD: prior to June 1st, 2018), and was therefore a candidate for classification through an automated scoring system. Utilizing variant allele frequency, disease prevalence and penetrance estimates, and inheritance mode, an automated score was calculated to assess if this variant is too frequent to cause the disease. Based on the score and internal cut-off values, a variant classified as benign is not then subjected to further curation. The score for this variant resulted in a classification of benign for this disease.

Illumina Laboratory Services, Illumina
Classification: Benign for Charcot-Marie-Tooth disease, axonal, with vocal cord paresis, autosomal recessive. Last evaluated: 2018-01-12. Review status: criteria provided, single submitter. Criteria: ICSL Variant Classification Criteria 13 December 2019. Collection method: clinical testing. Allele origin: germline.
Comment: the same text as in the submission from Illumina Laboratory Services, Illumina above.

NM_018972.4(GDAP1):c.*920C>G

Gene: GDAP1 (ganglioside induced differentiation associated protein 1; plus strand). Cytogenetic location: 8q21.11.
Variant type: single nucleotide variant.
Coding change: c.*920C>G on transcript NM_018972.4 (MANE Select); 920 bases downstream of the stop codon, C replaced by G.
Molecular consequence: 3 prime UTR variant. On other transcripts: intron variant (1).
Genome position (GRCh38, 1-based): chr8:74,365,287, C>G. VCF-style: chr8-74365287-C-G. GRCh37 (hg19) VCF-style: chr8-75277522-C-G.
Other names: c.*920C>G (NM_001040875.4, NM_001362929.2, NM_001362930.2 and 1 more transcripts); c.694+2234C>G (NM_001362931.2).
Identifiers: ClinVar variation 909152 (VCV000909152.4), dbSNP rs6982840, ClinGen allele CA4785289.